The following is an entry in ClinVar:

NM_000377.3(WAS):c.390del (p.Asp130fs)

Gene: WAS (WASP actin nucleation promoting factor; plus strand). Cytogenetic location: Xp11.23.
Variant type: Deletion.
Coding change: c.390del on transcript NM_000377.3 (MANE Select); coding-DNA position 390, one base deleted (C; older notation c.390delC).
Protein change: p.Asp130fs; shifts the reading frame from aspartic acid 130.
Molecular consequence: frameshift variant.
Genome position (GRCh38, 1-based): chrX:48,685,763, C deleted. VCF-style (leftmost placement, unchanged base first): chrX-48685762-AC-A. GRCh37 (hg19) VCF-style: chrX-48544151-AC-A.
Other names: c.390delC (NM_000377.2); short protein forms D130fs.
Identifiers: ClinVar variation 426548 (VCV000426548.2), dbSNP rs1085307678, ClinGen allele CA645294129.
Genomic context (GRCh38, chrX:48,685,762, plus strand): 5'-CTGGGAGGCGGCTGACCCCAAGGTATGTGCAGGACTGCCAAGCGGGGCTGAACTTTGCAG[AC>A]GAGGACGAGGCCCAGGCCTTCCGGGCCCTCGTGCAGGAGAAGATACAAAAAAGGAATCAG-3'

ClinVar aggregate classification (germline): Pathogenic (1 of 4 stars; one submission).

Submission:

GeneDx
Classification: Pathogenic. Last evaluated: 2017-04-12. Review status: criteria provided, single submitter. Criteria: GeneDx Variant Classification (06012015). Collection method: clinical testing. Allele origin: germline. Affected: yes.
Comment: The c.390delC pathogenic variant in the WAS gene has been reported previously as c.424delC in association with Wiskott-Aldrich syndrome (Kwan et al., 1995), and is consistent with the diagnosis in this patient. The deletion causes a frameshift starting with codon Aspartic acid 130, changes this amino acid to a glutamic acid residue and creates a premature Stop codon at position 131 of the new reading frame, denoted p.Asp130GlufsX131. This pathogenic variant is predicted to cause loss of normal protein function either through protein truncation or nonsense-mediated mRNA decay. It is not observed in large population cohorts (Lek et al., 2016; 1000 Genomes Consortium et al., 2015; Exome Variant Server).